The following is an entry in ClinVar:

ClinVar aggregate classification (germline): Uncertain significance (1 of 4 stars; one submission).

Conditions:
Deficiency of adenosine deaminase 2. Also called: Adenosine Deaminase 2 Deficiency; VASCULITIS, AUTOINFLAMMATION, IMMUNODEFICIENCY, AND HEMATOLOGIC DEFECTS SYNDROME; Polyarteritis nodosa, childhoood-onset. Identifiers: Orphanet 404553, MedGen C3887654, MONDO:0014306, OMIM 615688, MONDO:0100317.

Allele frequency attached by ClinVar (database versions not stated): TOPMed below 0.00001; ExAC 0.00001; gnomAD exomes 0.00001.
gnomAD v4.1: 13 of 1,614,056 alleles (0.00081%); highest among the groups gnomAD compares: Non-Finnish European, 0.0011%; no homozygotes.

Submission:

Labcorp Genetics (formerly Invitae), Labcorp
Classification: Uncertain significance for Deficiency of adenosine deaminase 2. Last evaluated: 2025-12-10. Review status: criteria provided, single submitter. Criteria: Invitae Variant Classification Sherloc (09022015). Collection method: clinical testing. Allele origin: germline.
Comment: This sequence change replaces threonine, which is neutral and polar, with isoleucine, which is neutral and non-polar, at codon 33 of the ADA2 protein (p.Thr33Ile). This variant is present in population databases (rs780192478, gnomAD 0.002%). This variant has not been reported in the literature in individuals affected with ADA2-related conditions. ClinVar contains an entry for this variant (Variation ID: 2058382). Invitae Evidence Modeling of protein sequence and biophysical properties (such as structural, functional, and spatial information, amino acid conservation, physicochemical variation, residue mobility, and thermodynamic stability) indicates that this missense variant is not expected to disrupt ADA2 protein function with a negative predictive value of 80%. In summary, the available evidence is currently insufficient to determine the role of this variant in disease. Therefore, it has been classified as a Variant of Uncertain Significance.

NM_001282225.2(ADA2):c.98C>T (p.Thr33Ile)

Gene: ADA2 (adenosine deaminase 2; minus strand). Cytogenetic location: 22q11.1.
Variant type: single nucleotide variant.
Coding change: c.98C>T on transcript NM_001282225.2 (MANE Select); coding-DNA position 98, C replaced by T.
Protein change: p.Thr33Ile; replaces threonine 33 with isoleucine.
Molecular consequence: missense variant. On other transcripts: 5 prime UTR variant (2), intron variant (1).
Genome position (GRCh38, 1-based): chr22:17,209,580, G>A on the plus strand (C>T on the coding strand, the complement: ADA2 is on the minus strand). VCF-style: chr22-17209580-G-A. GRCh37 (hg19) VCF-style: chr22-17690470-G-A.
Other names: c.98C>T, p.Thr33Ile (NM_001282226.2); c.-29C>T (NM_001282227.2, NM_001282228.2); c.-38-2290C>T (NM_001282229.2); short protein forms T33I.
Identifiers: ClinVar variation 2058382 (VCV002058382.4), dbSNP rs780192478, ClinGen allele CA10088338.